The following is an entry in ClinVar:

ClinVar aggregate classification (germline): Pathogenic/Likely pathogenic. Review status: criteria provided, multiple submitters, no conflicts (2 of 4 stars). 3 submissions from 3 submitters: Pathogenic (1); Likely pathogenic (2). Last evaluated 2023-05-24.

Conditions:
Catecholaminergic polymorphic ventricular tachycardia 2. Also called: CASQ2-Related Catecholaminergic Polymorphic Ventricular Tachycardia; VENTRICULAR TACHYCARDIA, STRESS-INDUCED POLYMORPHIC 2. Identifiers: Orphanet 3286, MedGen C2677794, MONDO:0012762, OMIM 611938.
Catecholaminergic polymorphic ventricular tachycardia 1. Also called: RYR2-Related Catecholaminergic Polymorphic Ventricular Tachycardia; VENTRICULAR TACHYCARDIA, STRESS-INDUCED POLYMORPHIC 1; VENTRICULAR TACHYCARDIA, CATECHOLAMINERGIC POLYMORPHIC, 1, WITH OR WITHOUT ATRIAL DYSFUNCTION AND/OR DILATED CARDIOMYOPATHY. Identifiers: Orphanet 3286, MedGen C1631597, MONDO:0011484, OMIM 604772.

Submissions (3):

Labcorp Genetics (formerly Invitae), Labcorp
Classification: Likely pathogenic for Catecholaminergic polymorphic ventricular tachycardia 1. Last evaluated: 2023-05-24. Review status: criteria provided, single submitter. Criteria: Invitae Variant Classification Sherloc (09022015). Collection method: clinical testing. Allele origin: germline.
Comment: In summary, the currently available evidence indicates that the variant is pathogenic, but additional data are needed to prove that conclusively. Therefore, this variant has been classified as Likely Pathogenic. Algorithms developed to predict the effect of sequence changes on RNA splicing suggest that this variant may disrupt the consensus splice site. ClinVar contains an entry for this variant (Variation ID: 190743). Disruption of this splice site has been observed in individual(s) with clinical features of catecholaminergic polymorphic ventricular tachycardia (Invitae). This variant is not present in population databases (gnomAD no frequency). This sequence change affects a donor splice site in intron 5 of the CASQ2 gene. It is expected to disrupt RNA splicing. Variants that disrupt the donor or acceptor splice site typically lead to a loss of protein function (PMID: 16199547), and loss-of-function variants in CASQ2 are known to be pathogenic (PMID: 12386154).

Genome-Nilou Lab
Classification: Likely pathogenic for Catecholaminergic polymorphic ventricular tachycardia 2. Last evaluated: 2023-04-11. Review status: criteria provided, single submitter. Criteria: ACMG Guidelines, 2015. Collection method: clinical testing. Allele origin: germline. Affected: no.

GeneDx
Classification: Pathogenic. Last evaluated: 2019-01-08. Review status: criteria provided, single submitter. Criteria: GeneDx Variant Classification (06012015). Collection method: clinical testing. Allele origin: germline. Affected: yes.
Comment: This variant destroys the canonical splice donor site in intron 5 and is predicted to cause abnormal gene splicing. Additionally, other splice site variants in the CASQ2 gene have been reported in the Human Gene Mutation Database in association with CPVT (Stenson et al., 2014). Furthermore, the c.606+1 G>C variant is not observed in large population cohorts (Lek et al., 2016).

Literature cited by the submitters: PubMed 16199547 (cited by Labcorp Genetics (formerly Invitae), Labcorp); PubMed 12386154 (cited by Labcorp Genetics (formerly Invitae), Labcorp).

NM_001232.4(CASQ2):c.606+1G>C

Gene: CASQ2 (calsequestrin 2; minus strand). Cytogenetic location: 1p13.1.
Variant type: single nucleotide variant.
Coding change: c.606+1G>C on transcript NM_001232.4 (MANE Select); the canonical splice donor site of the intron after coding-DNA position 606, G replaced by C.
Molecular consequence: splice donor variant.
Genome position (GRCh38, 1-based): chr1:115,732,900, C>G on the plus strand (G>C on the coding strand, the complement: CASQ2 is on the minus strand). VCF-style: chr1-115732900-C-G. GRCh37 (hg19) VCF-style: chr1-116275521-C-G.
Identifiers: ClinVar variation 190743 (VCV000190743.12), dbSNP rs786205791, ClinGen allele CA301900.